The following is an entry in ClinVar:

NM_001148.6(ANK2):c.9409G>C (p.Glu3137Gln)

Gene: ANK2 (ankyrin 2; plus strand). Cytogenetic location: 4q26.
Variant type: single nucleotide variant.
Coding change: c.9409G>C on transcript NM_001148.6 (MANE Select); coding-DNA position 9409, G replaced by C.
Protein change: p.Glu3137Gln; replaces glutamic acid 3137 with glutamine.
Molecular consequence: missense variant. On other transcripts: intron variant (68).
Genome position (GRCh38, 1-based): chr4:113,358,027, G>C. VCF-style: chr4-113358027-G-C. GRCh37 (hg19) VCF-style: chr4-114279183-G-C.
Other names: c.9175G>C, p.Glu3059Gln (NM_001386142.1); c.5809G>C, p.Glu1937Gln (NM_001386166.1); c.9550G>C, p.Glu3184Gln (NM_001386174.1); c.9526G>C, p.Glu3176Gln (NM_001386175.1); c.4412-2796G>C (NM_001386186.2, NM_001386148.2); c.4214-2796G>C (NM_001354269.3); c.4292-2796G>C (NM_001386187.2); c.4253-2796G>C (NM_001386147.1); and 35 more; short protein forms E3137Q, E1937Q, E3059Q, E3176Q, E3184Q.
Identifiers: ClinVar variation 957119 (VCV000957119.7), dbSNP rs779273162, ClinGen allele CA3051913.

ClinVar aggregate classification (germline): Uncertain significance. Review status: criteria provided, multiple submitters, no conflicts (2 of 4 stars). 2 submissions from 2 submitters: Uncertain significance (2). Last evaluated 2024-10-08.

Conditions:
Cardiovascular phenotype. Identifiers: MedGen CN230736.
Long QT syndrome (LQTS). Identifiers: MedGen C0023976, MeSH D008133, MONDO:0002442. Disease mechanism: loss of function. Inheritance: Various modes of inheritance.

Allele frequency attached by ClinVar (database versions not stated): gnomAD exomes 0.00001; ExAC 0.00002.
gnomAD v4.1: 4 of 1,614,036 alleles (0.00025%); highest among the groups gnomAD compares: Non-Finnish European, 0.00034%; no homozygotes.

Submissions (2):

Ambry Genetics
Classification: Uncertain significance for Cardiovascular phenotype. Last evaluated: 2024-10-08. Review status: criteria provided, single submitter. Criteria: Ambry Variant Classification Scheme 2023. Collection method: clinical testing. Allele origin: germline.
Comment: The p.E3137Q variant (also known as c.9409G>C), located in coding exon 38 of the ANK2 gene, results from a G to C substitution at nucleotide position 9409. The glutamic acid at codon 3137 is replaced by glutamine, an amino acid with highly similar properties. This amino acid position is conserved. In addition, this alteration is predicted to be tolerated by in silico analysis. Based on the available evidence, the clinical significance of this variant remains unclear.

Labcorp Genetics (formerly Invitae), Labcorp
Classification: Uncertain significance for Long QT syndrome. Last evaluated: 2019-09-22. Review status: criteria provided, single submitter. Criteria: Invitae Variant Classification Sherloc (09022015). Collection method: clinical testing. Allele origin: germline.
Comment: In summary, the available evidence is currently insufficient to determine the role of this variant in disease. Therefore, it has been classified as a Variant of Uncertain Significance. Algorithms developed to predict the effect of missense changes on protein structure and function output the following: SIFT: "Tolerated"; PolyPhen-2: "Benign"; Align-GVGD: "Class C0". The glutamine amino acid residue is found in multiple mammalian species, suggesting that this missense change does not adversely affect protein function. These predictions have not been confirmed by published functional studies and their clinical significance is uncertain. This variant has not been reported in the literature in individuals with ANK2-related conditions. This variant is present in population databases (rs779273162, ExAC 0.003%). This sequence change replaces glutamic acid with glutamine at codon 3137 of the ANK2 protein (p.Glu3137Gln). The glutamic acid residue is weakly conserved and there is a small physicochemical difference between glutamic acid and glutamine.